The following is an entry in ClinVar:

ClinVar aggregate classification (germline): Pathogenic (1 of 4 stars; one submission).

gnomAD v4.1: 4 of 1,614,166 alleles (0.00025%); highest among the groups gnomAD compares: Admixed American, 0.0017%; no homozygotes.

Submission:

Labcorp Genetics (formerly Invitae), Labcorp
Classification: Pathogenic. Last evaluated: 2024-08-20. Review status: criteria provided, single submitter. Criteria: Invitae Variant Classification Sherloc (09022015). Collection method: clinical testing. Allele origin: germline.
Comment: This sequence change creates a premature translational stop signal (p.Arg162*) in the DONSON gene. It is expected to result in an absent or disrupted protein product. Loss-of-function variants in DONSON are known to be pathogenic (PMID: 28191891, 28630177). This variant is present in population databases (rs753740715, gnomAD 0.01%). This variant has not been reported in the literature in individuals affected with DONSON-related conditions. For these reasons, this variant has been classified as Pathogenic.

Literature cited by the submitters: PubMed 28191891; PubMed 28630177.

NM_017613.4(DONSON):c.484C>T (p.Arg162Ter)

Gene: DONSON (DNA replication fork stabilization factor DONSON; minus strand). Cytogenetic location: 21q22.11.
Variant type: single nucleotide variant.
Coding change: c.484C>T on transcript NM_017613.4 (MANE Select); coding-DNA position 484, C replaced by T.
Protein change: p.Arg162Ter; replaces arginine 162 with a stop codon.
Molecular consequence: nonsense.
Genome position (GRCh38, 1-based): chr21:33,586,100, G>A on the plus strand (C>T on the coding strand, the complement: DONSON is on the minus strand). VCF-style: chr21-33586100-G-A. GRCh37 (hg19) VCF-style: chr21-34958406-G-A.
Other names: short protein forms R162*.
Identifiers: ClinVar variation 3647959 (VCV003647959.2).